The following is an entry in ClinVar:

ClinVar aggregate classification (germline): Likely benign. Review status: criteria provided, multiple submitters, no conflicts (2 of 4 stars). 2 submissions from 2 submitters: Likely benign (2). Last evaluated 2024-11-09.

Conditions:
Autosomal dominant epilepsy with auditory features. Identifiers: Orphanet 101046, MedGen C1838062, MONDO:0010898.

Allele frequency attached by ClinVar (database versions not stated): gnomAD 0.00001; gnomAD exomes 0.00001; TOPMed 0.00001.
gnomAD v4.1: 4 of 1,614,066 alleles (0.00025%); highest among the groups gnomAD compares: African/African-American, 0.0053%; no homozygotes.

Submissions (2):

Labcorp Genetics (formerly Invitae), Labcorp
Classification: Likely benign for Autosomal dominant epilepsy with auditory features. Last evaluated: 2024-11-09. Review status: criteria provided, single submitter. Criteria: Invitae Variant Classification Sherloc (09022015). Collection method: clinical testing. Allele origin: germline.

GeneDx
Classification: Likely benign. Last evaluated: 2017-02-16. Review status: criteria provided, single submitter. Criteria: GeneDx Variant Classification (06012015). Collection method: clinical testing. Allele origin: germline. Affected: yes.
Comment: This variant is considered likely benign or benign based on one or more of the following criteria: it is a conservative change, it occurs at a poorly conserved position in the protein, it is predicted to be benign by multiple in silico algorithms, and/or has population frequency not consistent with disease.

NM_005097.4(LGI1):c.1170A>G (p.Thr390=)

Gene: LGI1 (leucine rich glioma inactivated 1; plus strand). Cytogenetic location: 10q23.33.
Variant type: single nucleotide variant.
Coding change: c.1170A>G on transcript NM_005097.4 (MANE Select); coding-DNA position 1170, A replaced by G.
Protein change: p.Thr390=; no amino-acid change (threonine 390 retained).
Molecular consequence: synonymous variant. On other transcripts: non-coding transcript variant (1), intron variant (1).
Genome position (GRCh38, 1-based): chr10:93,797,299, A>G. VCF-style: chr10-93797299-A-G. GRCh37 (hg19) VCF-style: chr10-95557056-A-G.
Other names: c.1026A>G, p.Thr342= (NM_001308276.2); c.839-450A>G (NM_001308275.2).
Identifiers: ClinVar variation 507228 (VCV000507228.11), dbSNP rs1252407810, ClinGen allele CA470985299.